The following is an entry in ClinVar:

NM_001130438.3(SPTAN1):c.1097T>C (p.Phe366Ser)

Gene: SPTAN1 (spectrin alpha, non-erythrocytic 1; plus strand). Cytogenetic location: 9q34.11.
Variant type: single nucleotide variant.
Coding change: c.1097T>C on transcript NM_001130438.3 (MANE Select); coding-DNA position 1097, T replaced by C.
Protein change: p.Phe366Ser; replaces phenylalanine 366 with serine.
Molecular consequence: missense variant.
Genome position (GRCh38, 1-based): chr9:128,578,121, T>C. VCF-style: chr9-128578121-T-C. GRCh37 (hg19) VCF-style: chr9-131340400-T-C.
Other names: c.1097T>C, p.Phe366Ser (NM_001195532.2, NM_001363759.2, NM_001363765.2 and 5 more transcripts); c.1133T>C, p.Phe378Ser (NM_001375312.2, NM_001375318.1); short protein forms F366S, F378S.
Identifiers: ClinVar variation 1163507 (VCV001163507.9), dbSNP rs942915357, ClinGen allele CA200375601.

ClinVar aggregate classification (germline): Uncertain significance. Review status: criteria provided, multiple submitters, no conflicts (2 of 4 stars). 3 submissions from 3 submitters: Uncertain significance (3). Last evaluated 2026-01-14.

Conditions:
Early-infantile DEE. Also called: Ohtahara syndrome; Early infantile epileptic encephalopathy; Early infantile epileptic encephalopathy with suppression bursts. Identifiers: Orphanet 1934, MedGen C0393706, MONDO:0800491.
Inborn genetic diseases. Identifiers: MedGen C0950123, MeSH D030342.

Allele frequency attached by ClinVar (database versions not stated): gnomAD 0.00001; TOPMed 0.00001.
gnomAD v4.1: 1 of 1,614,044 alleles (0.000062%); highest among the groups gnomAD compares: African/African-American, 0.0013%; no homozygotes.

Submissions (3):

Ambry Genetics
Classification: Uncertain significance for Inborn genetic diseases. Last evaluated: 2026-01-14. Review status: criteria provided, single submitter. Criteria: Ambry Variant Classification Scheme 2023. Collection method: clinical testing. Allele origin: germline.

Labcorp Genetics (formerly Invitae), Labcorp
Classification: Uncertain significance for Early-infantile DEE. Last evaluated: 2026-01-09. Review status: criteria provided, single submitter. Criteria: Invitae Variant Classification Sherloc (09022015). Collection method: clinical testing. Allele origin: germline.
Comment: This sequence change replaces phenylalanine, which is neutral and non-polar, with serine, which is neutral and polar, at codon 366 of the SPTAN1 protein (p.Phe366Ser). This variant is not present in population databases (gnomAD no frequency). This variant has not been reported in the literature in individuals affected with SPTAN1-related conditions. ClinVar contains an entry for this variant (Variation ID: 1163507). Invitae Evidence Modeling of protein sequence and biophysical properties (such as structural, functional, and spatial information, amino acid conservation, physicochemical variation, residue mobility, and thermodynamic stability) has been performed for this missense variant. However, the output from this modeling did not meet the statistical confidence thresholds required to predict the impact of this variant on SPTAN1 protein function. In summary, the available evidence is currently insufficient to determine the role of this variant in disease. Therefore, it has been classified as a Variant of Uncertain Significance.

Mayo Clinic Laboratories, Mayo Clinic
Classification: Uncertain significance. Last evaluated: 2020-01-14. Review status: criteria provided, single submitter. Criteria: ACMG Guidelines, 2015. Collection method: clinical testing. Allele origin: germline. Observed: 1 variant allele.